The following is an entry in ClinVar:

ClinVar aggregate classification (germline): Likely benign. Review status: criteria provided, single submitter (1 of 4 stars). 2 submissions from 2 submitters: Likely benign (1). 1 of the submissions does not count toward it. Last evaluated 2024-01-11.

Conditions:
FRAS1-related disorder. Also called: FRAS1-related condition.

Allele frequency attached by ClinVar (database versions not stated): ExAC 0.00001; gnomAD 0.00001; gnomAD exomes 0.00001.
gnomAD v4.1: 17 of 1,613,518 alleles (0.0011%); highest among the groups gnomAD compares: Non-Finnish European, 0.0014%; no homozygotes.

Submissions (2):

Labcorp Genetics (formerly Invitae), Labcorp
Classification: Likely benign. Last evaluated: 2024-01-11. Review status: criteria provided, single submitter. Criteria: Invitae Variant Classification Sherloc (09022015). Collection method: clinical testing. Allele origin: germline.

PreventionGenetics, part of Exact Sciences
Classification: Likely benign for FRAS1-related condition. Last evaluated: 2019-03-15. Review status: no assertion criteria provided. Collection method: clinical testing. Allele origin: germline. Not counted in ClinVar's aggregate classification.
Comment: This variant is classified as likely benign based on ACMG/AMP sequence variant interpretation guidelines (Richards et al. 2015 PMID: 25741868, with internal and published modifications).

NM_025074.7(FRAS1):c.6348C>T (p.Tyr2116=)

Gene: FRAS1 (Fraser extracellular matrix complex subunit 1; plus strand). Cytogenetic location: 4q21.21.
Variant type: single nucleotide variant.
Coding change: c.6348C>T on transcript NM_025074.7 (MANE Select); coding-DNA position 6348, C replaced by T.
Protein change: p.Tyr2116=; no amino-acid change (tyrosine 2116 retained).
Molecular consequence: synonymous variant.
Genome position (GRCh38, 1-based): chr4:78,450,224, C>T. VCF-style: chr4-78450224-C-T. GRCh37 (hg19) VCF-style: chr4-79371378-C-T.
Other names: c.6348C>T (NM_025074.6).
Identifiers: ClinVar variation 3015354 (VCV003015354.5), dbSNP rs746543389, ClinGen allele CA2977757.